The following is an entry in ClinVar:

ClinVar aggregate classification (germline): Conflicting classifications of pathogenicity. Review status: criteria provided, conflicting classifications (1 of 4 stars). 2 submissions from 2 submitters: Uncertain significance (1); Likely benign (1). Last evaluated 2021-04-26.

Submissions (2):

GeneDx
Classification: Uncertain significance. Last evaluated: 2021-04-26. Review status: criteria provided, single submitter. Criteria: GeneDx Variant Classification Process June 2021. Collection method: clinical testing. Allele origin: germline. Affected: yes.
Comment: Has not been previously published as pathogenic or benign to our knowledge; In-frame deletion of 1 amino acids in a repetitive region with no known function; In silico analysis supports a deleterious effect on protein structure/function

Labcorp Genetics (formerly Invitae), Labcorp
Classification: Likely benign. Last evaluated: 2018-07-21. Review status: criteria provided, single submitter. Criteria: Invitae Variant Classification Sherloc (09022015). Collection method: clinical testing. Allele origin: germline.

NM_004715.5(CTDP1):c.1728GGA[6] (p.Glu582del)

Gene: CTDP1 (CTD phosphatase subunit 1; plus strand). Cytogenetic location: 18q23.
Variant type: Microsatellite.
Coding change: c.1728GGA[6] on transcript NM_004715.5 (MANE Select); six copies in a row of the 3-base unit GGA starting at c.1728; the reference has seven copies in a row; one copy, 3 bases deleted.
Protein change: p.Glu582del; deletes glutamic acid 582.
Molecular consequence: inframe deletion.
Genome position (GRCh38, 1-based): chr18:79,715,206-79,715,208, GGA deleted; deleting any 3 consecutive bases within chr18:79,715,188-79,715,208 gives the same sequence; the position shown is the placement nearest the transcript's 3' end. VCF-style (leftmost placement, unchanged base first): chr18-79715187-TGGA-T. GRCh37 (hg19) VCF-style: chr18-77475187-TGGA-T.
Other names: c.1371GGA[6], p.Glu463del (NM_001202504.1); c.1728GGA[6], p.Glu582del (NM_001318511.2, NM_048368.4); c.1746_1748delGGA (NM_004715.4); short protein forms E582del, E463del.
Identifiers: ClinVar variation 712748 (VCV000712748.6), dbSNP rs3833180, ClinGen allele CA9010370.